The following is an entry in ClinVar:

NM_004260.4(RECQL4):c.2532_2533delinsTT (p.Arg844Ser)

Gene: RECQL4 (RecQ like helicase 4; minus strand). Cytogenetic location: 8q24.3.
Variant type: Indel.
Coding change: c.2532_2533delinsTT on transcript NM_004260.4 (MANE Select); coding-DNA positions 2532 to 2533, GC replaced by TT.
Protein change: p.Arg844Ser; replaces arginine 844 with serine.
Molecular consequence: missense variant.
Genome position (GRCh38, 1-based): chr8:144,513,069-144,513,070, GC replaced by AA on the plus strand (GC replaced by TT on the coding strand, the reverse complement: RECQL4 is on the minus strand). VCF-style: chr8-144513069-GC-AA. GRCh37 (hg19) VCF-style: chr8-145738452-GC-AA.
Other names: short protein forms R844S.
Identifiers: ClinVar variation 1434897 (VCV001434897.6), dbSNP rs2130672839, ClinGen allele CA2573143069.

ClinVar aggregate classification (germline): Uncertain significance (1 of 4 stars; one submission).

Conditions:
Baller-Gerold syndrome (BGS). Also called: CRANIOSYNOSTOSIS WITH RADIAL DEFECTS. Identifiers: Orphanet 1225, MedGen C0265308, MONDO:0009039, OMIM 218600.

Submission:

Labcorp Genetics (formerly Invitae), Labcorp
Classification: Uncertain significance for Baller-Gerold syndrome. Last evaluated: 2021-02-16. Review status: criteria provided, single submitter. Criteria: Invitae Variant Classification Sherloc (09022015). Collection method: clinical testing. Allele origin: germline.
Comment: In summary, the available evidence is currently insufficient to determine the role of this variant in disease. Therefore, it has been classified as a Variant of Uncertain Significance. Experimental studies and prediction algorithms are not available or were not evaluated, and the functional significance of this variant is currently unknown. This variant has not been reported in the literature in individuals with RECQL4-related conditions. The frequency data for this variant in the population databases is not available, as this variant may be reported as separate entries in the ExAC database. This sequence change replaces arginine with serine at codon 844 of the RECQL4 protein (p.Arg844Ser). The arginine residue is moderately conserved and there is a moderate physicochemical difference between arginine and serine.